The following is an entry in ClinVar:

NM_004260.4(RECQL4):c.964C>G (p.Leu322Val)

Gene: RECQL4 (RecQ like helicase 4; minus strand). Cytogenetic location: 8q24.3.
Variant type: single nucleotide variant.
Coding change: c.964C>G on transcript NM_004260.4 (MANE Select); coding-DNA position 964, C replaced by G.
Protein change: p.Leu322Val; replaces leucine 322 with valine.
Molecular consequence: missense variant. On other transcripts: 5 prime UTR variant (16), non-coding transcript variant (3), intron variant (3).
Genome position (GRCh38, 1-based): chr8:144,516,155, G>C on the plus strand (C>G on the coding strand, the complement: RECQL4 is on the minus strand). VCF-style: chr8-144516155-G-C. GRCh37 (hg19) VCF-style: chr8-145741539-G-C.
Other names: c.964C>G, p.Leu322Val (NM_001413018.1, NM_001413019.1, NM_001413033.1 and 2 more transcripts); c.-108C>G (NM_001413021.1, NM_001413022.1, NM_001413023.1 and 7 more transcripts); c.835C>G, p.Leu279Val (NM_001413025.1); c.-170C>G (NM_001413027.1, NM_001413030.1, NM_001413031.1 and 2 more transcripts); c.613C>G, p.Leu205Val (NM_001413029.1); c.-377C>G (NM_001413043.1); c.953+11C>G (NM_001413017.1, NM_001413020.1); c.-23+11C>G (NM_001413034.1); short protein forms L279V, L322V, L205V.
Identifiers: ClinVar variation 3647564 (VCV003647564.2).

ClinVar aggregate classification (germline): Uncertain significance (1 of 4 stars; one submission).

Conditions:
Baller-Gerold syndrome (BGS). Also called: CRANIOSYNOSTOSIS WITH RADIAL DEFECTS. Identifiers: Orphanet 1225, MedGen C0265308, MONDO:0009039, OMIM 218600.

Submission:

Labcorp Genetics (formerly Invitae), Labcorp
Classification: Uncertain significance for Baller-Gerold syndrome. Last evaluated: 2025-10-01. Review status: criteria provided, single submitter. Criteria: Invitae Variant Classification Sherloc (09022015). Collection method: clinical testing. Allele origin: germline.
Comment: This sequence change replaces leucine, which is neutral and non-polar, with valine, which is neutral and non-polar, at codon 322 of the RECQL4 protein (p.Leu322Val). This variant is not present in population databases (gnomAD no frequency). This variant has not been reported in the literature in individuals affected with RECQL4-related conditions. ClinVar contains an entry for this variant (Variation ID: 3647564). Experimental studies and prediction algorithms are not available or were not evaluated, and the functional significance of this variant is currently unknown. In summary, the available evidence is currently insufficient to determine the role of this variant in disease. Therefore, it has been classified as a Variant of Uncertain Significance.